The following is an entry in ClinVar:

ClinVar aggregate classification (germline): Uncertain significance (1 of 4 stars; one submission).

Conditions:
Catecholaminergic polymorphic ventricular tachycardia 1. Also called: RYR2-Related Catecholaminergic Polymorphic Ventricular Tachycardia; VENTRICULAR TACHYCARDIA, STRESS-INDUCED POLYMORPHIC 1; VENTRICULAR TACHYCARDIA, CATECHOLAMINERGIC POLYMORPHIC, 1, WITH OR WITHOUT ATRIAL DYSFUNCTION AND/OR DILATED CARDIOMYOPATHY. Identifiers: Orphanet 3286, MedGen C1631597, MONDO:0011484, OMIM 604772.

Submission:

Labcorp Genetics (formerly Invitae), Labcorp
Classification: Uncertain significance for Catecholaminergic polymorphic ventricular tachycardia 1. Last evaluated: 2025-12-03. Review status: criteria provided, single submitter. Criteria: Invitae Variant Classification Sherloc (09022015). Collection method: clinical testing. Allele origin: germline.
Comment: This sequence change affects a donor splice site in intron 1 of the RYR2 gene. It is expected to disrupt RNA splicing. Variants that disrupt the donor or acceptor splice site typically lead to a loss of protein function (PMID: 16199547), however the current clinical and genetic evidence is not sufficient to establish whether loss-of-function variants in RYR2 cause disease. This variant is not present in population databases (gnomAD no frequency). This variant has not been reported in the literature in individuals affected with RYR2-related conditions. Algorithms developed to predict the effect of sequence changes on RNA splicing suggest that this variant may disrupt the consensus splice site. In summary, the available evidence is currently insufficient to determine the role of this variant in disease. Therefore, it has been classified as a Variant of Uncertain Significance.

Literature cited by the submitters: PubMed 16199547.

NM_001035.3(RYR2):c.48+1G>C

Gene: RYR2 (ryanodine receptor 2; plus strand). Cytogenetic location: 1q43.
Variant type: single nucleotide variant.
Coding change: c.48+1G>C on transcript NM_001035.3 (MANE Select); the canonical splice donor site of the intron after coding-DNA position 48, G replaced by C.
Molecular consequence: splice donor variant.
Genome position (GRCh38, 1-based): chr1:237,042,570, G>C. VCF-style: chr1-237042570-G-C. GRCh37 (hg19) VCF-style: chr1-237205870-G-C.
Identifiers: ClinVar variation 4767606 (VCV004767606.1).